The following is an entry in ClinVar:

ClinVar aggregate classification (germline): Uncertain significance (1 of 4 stars; one submission).

Allele frequency attached by ClinVar (database versions not stated): gnomAD exomes below 0.00001.

Submission:

GeneDx
Classification: Uncertain significance. Last evaluated: 2023-01-03. Review status: criteria provided, single submitter. Criteria: GeneDx Variant Classification Process June 2021. Collection method: clinical testing. Allele origin: germline. Affected: yes.
Comment: Not observed at significant frequency in large population cohorts (gnomAD); In silico analysis supports that this missense variant does not alter protein structure/function; Has not been previously published as pathogenic or benign to our knowledge

NM_198060.4(NRAP):c.2288C>A (p.Thr763Asn)

Gene: NRAP (nebulin related anchoring protein; minus strand). Cytogenetic location: 10q25.3.
Variant type: single nucleotide variant.
Coding change: c.2288C>A on transcript NM_198060.4 (MANE Select); coding-DNA position 2288, C replaced by A.
Protein change: p.Thr763Asn; replaces threonine 763 with asparagine.
Molecular consequence: missense variant.
Genome position (GRCh38, 1-based): chr10:113,624,887, G>T on the plus strand (C>A on the coding strand, the complement: NRAP is on the minus strand). VCF-style: chr10-113624887-G-T. GRCh37 (hg19) VCF-style: chr10-115384646-G-T.
Other names: c.2288C>A, p.Thr763Asn (NM_001261463.2, NM_001322945.2); c.2183C>A, p.Thr728Asn (NM_006175.5); short protein forms T728N, T763N.
Identifiers: ClinVar variation 2507081 (VCV002507081.1), dbSNP rs2493526759, ClinGen allele CA378415899.